The following is an entry in ClinVar:

ClinVar aggregate classification (germline): Uncertain significance (1 of 4 stars; one submission).

Submission:

GeneDx
Classification: Uncertain significance. Last evaluated: 2026-02-06. Review status: criteria provided, single submitter. Criteria: GeneDx Variant Classification Process June 2021. Collection method: clinical testing. Allele origin: germline.
Comment: Not observed at significant frequency in large population cohorts (gnomAD); In silico analysis supports that this missense variant has a deleterious effect on protein structure/function; Has not been previously published as pathogenic or benign to our knowledge

NM_006521.6(TFE3):c.1145G>T (p.Arg382Leu)

Gene: TFE3 (transcription factor binding to IGHM enhancer 3; minus strand). Cytogenetic location: Xp11.23.
Variant type: single nucleotide variant.
Coding change: c.1145G>T on transcript NM_006521.6 (MANE Select); coding-DNA position 1145, G replaced by T.
Protein change: p.Arg382Leu; replaces arginine 382 with leucine.
Molecular consequence: missense variant.
Genome position (GRCh38, 1-based): chrX:49,031,536, C>A on the plus strand (G>T on the coding strand, the complement: TFE3 is on the minus strand). VCF-style: chrX-49031536-C-A. GRCh37 (hg19) VCF-style: chrX-48889051-C-A.
Other names: c.830G>T, p.Arg277Leu (NM_001282142.2); short protein forms R277L, R382L.
Identifiers: ClinVar variation 4975746 (VCV004975746.1).
Genomic context (GRCh38, chrX:49,031,536, plus strand): 5'-TCCTTCTGCAGCTTGCGGATATAATCCACAGAGGCCTTCAGGATGGTGCCCTTGTTCCAG[C>A]GCATCTCCCTGTGGGGCCCAAGTGGGAGGCAAGCAGGAAATGCCACATGAGGAGTTTCTC-3'
Protein context (NP_006512.2, residues 372-392): LIPKSSDPEM[Arg382Leu]WNKGTILKAS